The following is an entry in ClinVar:

NM_001042492.3(NF1):c.5059A>G (p.Arg1687Gly)

Gene: NF1 (neurofibromin 1; plus strand). Cytogenetic location: 17q11.2.
Variant type: single nucleotide variant.
Coding change: c.5059A>G on transcript NM_001042492.3 (MANE Select); coding-DNA position 5059, A replaced by G.
Protein change: p.Arg1687Gly; replaces arginine 1687 with glycine.
Molecular consequence: missense variant.
Genome position (GRCh38, 1-based): chr17:31,326,043, A>G. VCF-style: chr17-31326043-A-G. GRCh37 (hg19) VCF-style: chr17-29653061-A-G.
Other names: c.4996A>G, p.Arg1666Gly (NM_000267.4); short protein forms R1666G, R1687G.
Identifiers: ClinVar variation 938775 (VCV000938775.10), dbSNP rs746461616, ClinGen allele CA399007420.
Genomic context (GRCh38, chr17:31,326,043, plus strand): 5'-CCTGGCTTTGCTTACGACAACGTCTCCGCAGTCTATATCTATAACTGTAACTCCTGGGTC[A>G]GGGAGTACACCAAGTATCATGAGCGGCTGCTGACTGGCCTCAAAGGTAGCAAAAGGCTTG-3'
Protein context (NP_001035957.1, residues 1677-1697): VYIYNCNSWV[Arg1687Gly]EYTKYHERLL

ClinVar aggregate classification (germline): Uncertain significance. Review status: criteria provided, multiple submitters, no conflicts (2 of 4 stars). 2 submissions from 2 submitters: Uncertain significance (2). Last evaluated 2025-09-10.

Conditions:
Hereditary cancer-predisposing syndrome. Also called: Tumor predisposition; Hereditary neoplastic syndrome; Neoplastic Syndromes, Hereditary; Hereditary Cancer Syndrome. Identifiers: Orphanet 140162, MedGen C0027672, MeSH D009386, MONDO:0015356.
Cardiovascular phenotype. Identifiers: MedGen CN230736.
Neurofibromatosis, type 1 (NF1). Also called: Peripheral type neurofibromatosis; VON RECKLINGHAUSEN DISEASE; Neurofibromatosis, type I; NEUROFIBROMATOSIS, TYPE I, SOMATIC. Identifiers: Orphanet 636, MedGen C0027831, MONDO:0018975, OMIM 162200. Disease mechanism: loss of function.

Submissions (2):

Labcorp Genetics (formerly Invitae), Labcorp
Classification: Uncertain significance for Neurofibromatosis, type 1. Last evaluated: 2025-09-10. Review status: criteria provided, single submitter. Criteria: Invitae Variant Classification Sherloc (09022015). Collection method: clinical testing. Allele origin: germline.
Comment: This sequence change replaces arginine, which is basic and polar, with glycine, which is neutral and non-polar, at codon 1666 of the NF1 protein (p.Arg1666Gly). This variant is not present in population databases (gnomAD no frequency). This variant has not been reported in the literature in individuals affected with NF1-related conditions. ClinVar contains an entry for this variant (Variation ID: 938775). Invitae Evidence Modeling of protein sequence and biophysical properties (such as structural, functional, and spatial information, amino acid conservation, physicochemical variation, residue mobility, and thermodynamic stability) indicates that this missense variant is expected to disrupt NF1 protein function with a positive predictive value of 95%. In summary, the available evidence is currently insufficient to determine the role of this variant in disease. Therefore, it has been classified as a Variant of Uncertain Significance.

Ambry Genetics
Classification: Uncertain significance for Cardiovascular phenotype; Hereditary cancer-predisposing syndrome. Last evaluated: 2024-08-08. Review status: criteria provided, single submitter. Criteria: Ambry Variant Classification Scheme 2023. Collection method: clinical testing. Allele origin: germline.
Comment: The p.R1666G variant (also known as c.4996A>G), located in coding exon 36 of the NF1 gene, results from an A to G substitution at nucleotide position 4996. The arginine at codon 1666 is replaced by glycine, an amino acid with dissimilar properties. This amino acid position is highly conserved in available vertebrate species. In addition, this alteration is predicted to be deleterious by in silico analysis. Since supporting evidence is limited at this time, the clinical significance of this alteration remains unclear.